The following is an entry in ClinVar:

NM_152490.5(B3GALNT2):c.23T>G (p.Leu8Arg)

Gene: B3GALNT2 (beta-1,3-N-acetylgalactosaminyltransferase 2; minus strand). Cytogenetic location: 1q42.3.
Variant type: single nucleotide variant.
Coding change: c.23T>G on transcript NM_152490.5 (MANE Select); coding-DNA position 23, T replaced by G.
Protein change: p.Leu8Arg; replaces leucine 8 with arginine.
Molecular consequence: missense variant.
Genome position (GRCh38, 1-based): chr1:235,504,230, A>C on the plus strand (T>G on the coding strand, the complement: B3GALNT2 is on the minus strand). VCF-style: chr1-235504230-A-C. GRCh37 (hg19) VCF-style: chr1-235667530-A-C.
Other names: c.23T>G (NM_152490.3); c.23T>G, p.Leu8Arg (NM_001277155.3); short protein forms L8R.
Identifiers: ClinVar variation 1515822 (VCV001515822.8), dbSNP rs1437958242, ClinGen allele CA344937594.
Genomic context (GRCh38, chr1:235,504,230, plus strand): 5'-GGCGGCGGGGAGCGCAGCCGCAGCCAGAGGTGCAGCGCGGCCCCGAGCACACACGGGCAC[A>C]GCAGCACCAGCCAGTTTCGCATTGGCCGCCCCCGCCGCGAGCCGGGCTCTCCCGCGTCCC-3'
Protein context (NP_689703.1, residues 1-18): MRNWLVL[Leu8Arg]CPCVLGAALH

ClinVar aggregate classification (germline): Uncertain significance. Review status: criteria provided, multiple submitters, no conflicts (2 of 4 stars). 2 submissions from 2 submitters: Uncertain significance (2). Last evaluated 2021-10-09.

Conditions:
Muscular dystrophy-dystroglycanopathy (congenital with brain and eye anomalies), type a, 11 (MDDGA11). Also called: Muscular dystrophy-dystroglycanopathy (congenital with brain and eye anomalies, type A, 11; WALKER-WARBURG SYNDROME OR MUSCLE-EYE-BRAIN DISEASE, B3GALNT2-RELATED; Congenital muscular dystrophy-dystroglycanopathy with brain and eye anomalies, type A11. Identifiers: Orphanet 588, Orphanet 899, MedGen C3554638, MONDO:0014071, OMIM 615181.

Allele frequency attached by ClinVar (database versions not stated): gnomAD exomes below 0.00001; TOPMed below 0.00001.
gnomAD v4.1: 1 of 1,482,796 alleles (0.000067%); highest among the groups gnomAD compares: Non-Finnish European, 0.000089%; no homozygotes.

Submissions (2):

Labcorp Genetics (formerly Invitae), Labcorp
Classification: Uncertain significance for Muscular dystrophy-dystroglycanopathy (congenital with brain and eye anomalies), type a, 11. Last evaluated: 2021-10-09. Review status: criteria provided, single submitter. Criteria: Invitae Variant Classification Sherloc (09022015). Collection method: clinical testing. Allele origin: germline.
Comment: The frequency data for this variant in the population databases is considered unreliable, as metrics indicate insufficient coverage at this position in the ExAC database. This variant has not been reported in the literature in individuals affected with B3GALNT2-related conditions. Algorithms developed to predict the effect of missense changes on protein structure and function are either unavailable or do not agree on the potential impact of this missense change (SIFT: "Deleterious"; PolyPhen-2: "Probably Damaging"; Align-GVGD: "Class C0"). In summary, the available evidence is currently insufficient to determine the role of this variant in disease. Therefore, it has been classified as a Variant of Uncertain Significance. This sequence change replaces leucine with arginine at codon 8 of the B3GALNT2 protein (p.Leu8Arg). The leucine residue is moderately conserved and there is a moderate physicochemical difference between leucine and arginine.

Revvity Omics, Revvity
Classification: Uncertain significance for Muscular dystrophy-dystroglycanopathy (congenital with brain and eye anomalies), type a, 11. Last evaluated: 2021-01-28. Review status: criteria provided, single submitter. Criteria: ACMG Guidelines, 2015. Collection method: clinical testing. Allele origin: germline.